The following is an entry in ClinVar:

NM_000217.3(KCNA1):c.1390A>G (p.Ser464Gly)

Gene: KCNA1 (potassium voltage-gated channel subfamily A member 1; plus strand). Cytogenetic location: 12p13.32.
Variant type: single nucleotide variant.
Coding change: c.1390A>G on transcript NM_000217.3 (MANE Select); coding-DNA position 1390, A replaced by G.
Protein change: p.Ser464Gly; replaces serine 464 with glycine.
Molecular consequence: missense variant.
Genome position (GRCh38, 1-based): chr12:4,912,768, A>G. VCF-style: chr12-4912768-A-G. GRCh37 (hg19) VCF-style: chr12-5021934-A-G.
Other names: short protein forms S464G.
Identifiers: ClinVar variation 3600602 (VCV003600602.1).

ClinVar aggregate classification (germline): Uncertain significance (1 of 4 stars; one submission).

Submission:

GeneDx
Classification: Uncertain significance. Last evaluated: 2024-07-27. Review status: criteria provided, single submitter. Criteria: GeneDx Variant Classification Process June 2021. Collection method: clinical testing. Allele origin: germline. Affected: yes.
Comment: Not observed at significant frequency in large population cohorts (gnomAD); In silico analysis indicates that this missense variant does not alter protein structure/function; Has not been previously published as pathogenic or benign to our knowledge